The following is an entry in ClinVar:

ClinVar aggregate classification (germline): Conflicting classifications of pathogenicity. Review status: criteria provided, conflicting classifications (1 of 4 stars). 3 submissions from 2 submitters: Uncertain significance (2); Benign (1). Last evaluated 2018-01-12.

Conditions:
Familial hyperinsulinism. Also called: Congenital hyperinsulinism. Identifiers: Orphanet 276525, MedGen C3888018, MONDO:0017182. Disease mechanism: loss of function.
Maturity-onset diabetes of the young type 1. Also called: MILD JUVENILE DIABETES MELLITUS; MODY, type I; MODY type 1; Diabetes mellitus MODY type 1; MODY HNF4A related; HNF4A-Related Maturity-Onset Diabetes of the Young Type 1. Identifiers: Orphanet 552, MedGen C1852093, MONDO:0007452, OMIM 125850. Disease mechanism: loss of function.
Maturity-onset diabetes of the young (MODY). Also called: Maturity onset diabetes mellitus in young. Identifiers: Orphanet 552, MedGen C0342276, MONDO:0018911, HP:0004904.

Submissions (3):

Illumina Laboratory Services, Illumina
Classification: Uncertain significance for Familial hyperinsulinism. Last evaluated: 2018-01-12. Review status: criteria provided, single submitter. Criteria: ICSL Variant Classification Criteria 13 December 2019. Collection method: clinical testing. Allele origin: germline.

Illumina Laboratory Services, Illumina
Classification: Uncertain significance for Maturity-onset diabetes of the young type 1. Last evaluated: 2018-01-12. Review status: criteria provided, single submitter. Criteria: ICSL Variant Classification Criteria 13 December 2019. Collection method: clinical testing. Allele origin: germline.

Clinical Genomics, Uppaluri K&H Personalized Medicine Clinic
Classification: Benign for Maturity-onset diabetes of the young. Review status: criteria provided, single submitter. Criteria: K & H Uppaluri Personalized Medicine Clinic Variant Classification & Assertion Criteria_Updated V.1. Collection method: research. Allele origin: unknown. Inheritance: Autosomal dominant inheritance.
Comment: Potent mutations in HNF4A are associated with poor insulin secretion in response to hyperglycemia. Associated with MODY1. Patients initially respond well to sulfonylureas but eventually become insulin dependent. However, more evidence is required to ascertain the role of this particular variant rs886056702 in MODY, yet.

Literature cited by the submitters: DOI 10.1159/000334532 (cited by Clinical Genomics, Uppaluri K&H Personalized Medicine Clinic); PubMed 18268044 (cited by Clinical Genomics, Uppaluri K&H Personalized Medicine Clinic); PubMed 17563455 (cited by Clinical Genomics, Uppaluri K&H Personalized Medicine Clinic); PubMed 32583173 (cited by Clinical Genomics, Uppaluri K&H Personalized Medicine Clinic); PubMed 35052457 (cited by Clinical Genomics, Uppaluri K&H Personalized Medicine Clinic); PubMed 35118593 (cited by Clinical Genomics, Uppaluri K&H Personalized Medicine Clinic).

NM_175914.5(HNF4A):c.*3024C>T

Gene: HNF4A (hepatocyte nuclear factor 4 alpha; plus strand). Cytogenetic location: 20q13.12.
Variant type: single nucleotide variant.
Coding change: c.*3024C>T on transcript NM_175914.5 (MANE Select); 3024 bases downstream of the stop codon, C replaced by T.
Molecular consequence: 3 prime UTR variant.
Genome position (GRCh38, 1-based): chr20:44,432,689, C>T. VCF-style: chr20-44432689-C-T. GRCh37 (hg19) VCF-style: chr20-43061329-C-T.
Other names: c.*3024C>T (NM_000457.6, NM_001030003.3, NM_001258355.2 and 3 more transcripts).
Identifiers: ClinVar variation 338492 (VCV000338492.6), dbSNP rs886056702, ClinGen allele CA10643920.